The following is an entry in ClinVar:

ClinVar aggregate classification (germline): Likely benign (0 of 4 stars; one submission).

Conditions:
MC4R-related disorder. Also called: MC4R-related condition.

gnomAD v4.1: 25 of 1,614,252 alleles (0.0015%); highest among the groups gnomAD compares: Non-Finnish European, 0.0019%; no homozygotes.

Submission:

PreventionGenetics, part of Exact Sciences
Classification: Likely benign for MC4R-related condition. Last evaluated: 2022-07-08. Review status: no assertion criteria provided. Collection method: clinical testing. Allele origin: germline.
Comment: This variant is classified as likely benign based on ACMG/AMP sequence variant interpretation guidelines (Richards et al. 2015 PMID: 25741868, with internal and published modifications).

NM_005912.3(MC4R):c.117G>A (p.Gly39=)

Gene: MC4R (melanocortin 4 receptor; minus strand). Cytogenetic location: 18q21.32.
Variant type: single nucleotide variant.
Coding change: c.117G>A on transcript NM_005912.3 (MANE Select); coding-DNA position 117, G replaced by A.
Protein change: p.Gly39=; no amino-acid change (glycine 39 retained).
Molecular consequence: synonymous variant.
Genome position (GRCh38, 1-based): chr18:60,372,233, C>T on the plus strand (G>A on the coding strand, the complement: MC4R is on the minus strand). VCF-style: chr18-60372233-C-T. GRCh37 (hg19) VCF-style: chr18-58039466-C-T.
Identifiers: ClinVar variation 3351062 (VCV003351062.1).
Genomic context (GRCh38, chr18:60,372,233, plus strand): 5'-CAAGCTGATGACACCCAGAGTCACAAACACCTCAGGAGAGACAAAAAGTTGCTCGTAGCA[C>T]CCTCCATCAGAGTAGCCTTTTCCAAGGGACTCACTGGCATTGCTGTGCAGTCTGTAACTG-3'
Protein context (NP_005903.2, residues 29-49): ESLGKGYSDG[Gly39=]CYEQLFVSPE